The following is an entry in ClinVar:

NM_001282860.2(GON4L):c.3377A>C (p.Lys1126Thr)

Gene: GON4L (gon-4 like; minus strand). Cytogenetic location: 1q22.
Variant type: single nucleotide variant.
Coding change: c.3377A>C on transcript NM_001282860.2 (MANE Select); coding-DNA position 3377, A replaced by C.
Protein change: p.Lys1126Thr; replaces lysine 1126 with threonine.
Molecular consequence: missense variant.
Genome position (GRCh38, 1-based): chr1:155,766,096, T>G on the plus strand (A>C on the coding strand, the complement: GON4L is on the minus strand). VCF-style: chr1-155766096-T-G. GRCh37 (hg19) VCF-style: chr1-155735887-T-G.
Other names: c.3377A>C, p.Lys1126Thr (NM_001282856.2, NM_001282858.2, NM_001282861.2 and 1 more transcripts); short protein forms K1126T.
Identifiers: ClinVar variation 3042618 (VCV003042618.2), dbSNP rs141121842, ClinGen allele CA1150618.
Genomic context (GRCh38, chr1:155,766,096, plus strand): 5'-GTGAAGATAACAGATGCAGGGTGGTGGATAACAGGGGCAGGTTTCATACAGGGAGAGGCC[T>G]TGACTCCTCTTCTCTTTGAGGGTCTCCGTCTCACATATGGCTTTCGAAACTTAGAAGGGG-3'
Protein context (NP_001269789.1, residues 1116-1136): RRRPSKRRGV[Lys1126Thr]ASPCMKPAPV

ClinVar aggregate classification (germline): Likely benign (0 of 4 stars; one submission).

Conditions:
GON4L-related disorder. Also called: GON4L-related condition.

Allele frequency attached by ClinVar (database versions not stated): 1000 Genomes Project 0.00040; 1000 Genomes Project 30x 0.00047; TOPMed 0.00116; ESP Exome Variant Server 0.00146; gnomAD 0.00172; gnomAD exomes 0.00179; ExAC 0.00185.
gnomAD v4.1: 2,856 of 1,614,154 alleles (0.18%); highest among the groups gnomAD compares: Non-Finnish European, 0.2%; 6 homozygotes.

Submission:

PreventionGenetics, part of Exact Sciences
Classification: Likely benign for GON4L-related condition. Last evaluated: 2019-06-25. Review status: no assertion criteria provided. Collection method: clinical testing. Allele origin: germline.
Comment: This variant is classified as likely benign based on ACMG/AMP sequence variant interpretation guidelines (Richards et al. 2015 PMID: 25741868, with internal and published modifications).